The following is an entry in ClinVar:

ClinVar aggregate classification (germline): Likely pathogenic. Review status: criteria provided, multiple submitters, no conflicts (2 of 4 stars). 2 submissions from 2 submitters: Likely pathogenic (2). Last evaluated 2026-07-08.

Conditions:
X-linked Alport syndrome (ATS1). Also called: NEPHROPATHY AND DEAFNESS, X-LINKED; COL4A5-Related Nephropathy. Identifiers: Orphanet 63, Orphanet 88917, MedGen C4746986, MONDO:0010520, OMIM 301050.

Submissions (2):

Centre de Génétique Humaine, Institut de Pathologie Et de Génétique
Classification: Likely pathogenic for X-linked Alport syndrome. Last evaluated: 2026-07-08. Review status: criteria provided, single submitter. Criteria: ACMG Guidelines, 2015. Collection method: clinical testing. Allele origin: maternal, germline. Inheritance: X-linked dominant inheritance. Affected: yes. Observed: 2 variant alleles, 1 heterozygote, 1 hemizygote. Segregation with disease observed.
Comment: This missense variant involves a highly conserved glycine located in a ‘Gly-X-Y’ motif in collagenous region, (PM1,PP2). This variant is rare: absent in gnomAD v4.1.0 database (PM2). Another missense variant affecting the same residue described as pathogenic in CinVar and as disease causing PMID: 9848783 : c.3782G>A, p.(Gly1261Glu) (PM5). In silico analysis supports that this missense variant has a deleterious effect (PP3). Described in scientific literature and ClinVar (PP5).

Labcorp Genetics (formerly Invitae), Labcorp
Classification: Likely pathogenic. Last evaluated: 2021-05-20. Review status: criteria provided, single submitter. Criteria: Invitae Variant Classification Sherloc (09022015). Collection method: clinical testing. Allele origin: germline.
Comment: This variant disrupts the p.Gly1261 amino acid residue in COL4A5. Other variant(s) that disrupt this residue have been observed in individuals with COL4A5-related conditions (PMID: 9848783), which suggests that this may be a clinically significant amino acid residue. In summary, the currently available evidence indicates that the variant is pathogenic, but additional data are needed to prove that conclusively. Therefore, this variant has been classified as Likely Pathogenic. This variant disrupts the triple helix domain of COL4A5. Glycine residues within the Gly-Xaa-Yaa repeats of the triple helix domain are required for the structure and stability of fibrillar collagens (PMID: 7695699, 8218237, 19344236). In COL4A5, missense variants at these glycine residues are significantly enriched in individuals with disease (PMID: 23720012, 27627812) compared to the general population (ExAC). Advanced modeling of protein sequence and biophysical properties (such as structural, functional, and spatial information, amino acid conservation, physicochemical variation, residue mobility, and thermodynamic stability) performed at Invitae indicates that this missense variant is expected to disrupt COL4A5 protein function. This variant has been observed in individual(s) with Alport syndrome (PMID: 28356090). This variant is not present in population databases (ExAC no frequency). This sequence change replaces glycine with arginine at codon 1261 of the COL4A5 protein (p.Gly1261Arg). The glycine residue is highly conserved and there is a moderate physicochemical difference between glycine and arginine.

Literature cited by the submitters: PubMed 28356090 (cited by Centre de Génétique Humaine, Institut de Pathologie Et de Génétique and Labcorp Genetics (formerly Invitae), Labcorp); PubMed 9848783 (cited by Labcorp Genetics (formerly Invitae), Labcorp); PubMed 7695699 (cited by Labcorp Genetics (formerly Invitae), Labcorp); PubMed 8218237 (cited by Labcorp Genetics (formerly Invitae), Labcorp); PubMed 19344236 (cited by Labcorp Genetics (formerly Invitae), Labcorp); PubMed 23720012 (cited by Labcorp Genetics (formerly Invitae), Labcorp); PubMed 27627812 (cited by Labcorp Genetics (formerly Invitae), Labcorp).

NM_033380.3(COL4A5):c.3781G>A (p.Gly1261Arg)

Gene: COL4A5 (collagen type IV alpha 5 chain; plus strand). Cytogenetic location: Xq22.3.
Variant type: single nucleotide variant.
Coding change: c.3781G>A on transcript NM_033380.3 (MANE Select); coding-DNA position 3781, G replaced by A.
Protein change: p.Gly1261Arg; replaces glycine 1261 with arginine.
Molecular consequence: missense variant.
Genome position (GRCh38, 1-based): chrX:108,668,495, G>A. VCF-style: chrX-108668495-G-A. GRCh37 (hg19) VCF-style: chrX-107911725-G-A.
Other names: p.(Gly1261Arg); c.3781G>A, p.Gly1261Arg (NM_000495.5); short protein forms G1261R.
Identifiers: ClinVar variation 1508303 (VCV001508303.9), dbSNP rs2147959775, ClinGen allele CA413849147.